The following is an entry in ClinVar:

NM_000642.3(AGL):c.1049T>G (p.Met350Arg)

Gene: AGL (amylo-alpha-1,6-glucosidase and 4-alpha-glucanotransferase; plus strand). Cytogenetic location: 1p21.2.
Variant type: single nucleotide variant.
Coding change: c.1049T>G on transcript NM_000642.3 (MANE Select); coding-DNA position 1049, T replaced by G.
Protein change: p.Met350Arg; replaces methionine 350 with arginine.
Molecular consequence: missense variant.
Genome position (GRCh38, 1-based): chr1:99,874,777, T>G. VCF-style: chr1-99874777-T-G. GRCh37 (hg19) VCF-style: chr1-100340333-T-G.
Other names: c.1049T>G, p.Met350Arg (NM_000028.3, NM_000643.3, NM_000644.3 and 3 more transcripts); c.1001T>G, p.Met334Arg (NM_000646.3); c.845T>G, p.Met282Arg (NM_001425328.1, NM_001425329.1); c.671T>G, p.Met224Arg (NM_001425332.1); c.1049T>G (NM_000642.2); short protein forms M334R, M350R, M224R, M282R.
Identifiers: ClinVar variation 1424600 (VCV001424600.7), dbSNP rs761122742, ClinGen allele CA341343376.
Genomic context (GRCh38, chr1:99,874,777, plus strand): 5'-ACCAACACCTTACGATTATTCAAGATCCTGAATACAGACGGTTTGGCTGTACTGTAGATA[T>G]GAACATTGCACTAACGACTTTCATACCACATGAGTATGTAATGTGTTTTTTTCTGTGAAA-3'
Protein context (NP_000633.2, residues 340-360): EYRRFGCTVD[Met350Arg]NIALTTFIPH

ClinVar aggregate classification (germline): Uncertain significance. Review status: criteria provided, multiple submitters, no conflicts (2 of 4 stars). 2 submissions from 2 submitters: Uncertain significance (2). Last evaluated 2026-07-01.

Conditions:
Inborn genetic diseases. Identifiers: MedGen C0950123, MeSH D030342.
Glycogen storage disease type III (GSD3). Also called: Cori disease; FORBES DISEASE. Identifiers: Orphanet 366, MedGen C0017922, MONDO:0009291, OMIM 232400.

gnomAD v4.1: 2 of 1,613,942 alleles (0.00012%); highest among the groups gnomAD compares: East Asian, 0.0022%; no homozygotes.

Submissions (2):

Ambry Genetics
Classification: Uncertain significance for Inborn genetic diseases. Last evaluated: 2026-07-01. Review status: criteria provided, single submitter. Criteria: Ambry Variant Classification Scheme 2023. Collection method: clinical testing. Allele origin: germline.

Labcorp Genetics (formerly Invitae), Labcorp
Classification: Uncertain significance for Glycogen storage disease type III. Last evaluated: 2023-02-22. Review status: criteria provided, single submitter. Criteria: Invitae Variant Classification Sherloc (09022015). Collection method: clinical testing. Allele origin: germline.
Comment: This sequence change replaces methionine, which is neutral and non-polar, with arginine, which is basic and polar, at codon 350 of the AGL protein (p.Met350Arg). This variant is not present in population databases (gnomAD no frequency). This variant has not been reported in the literature in individuals affected with AGL-related conditions. ClinVar contains an entry for this variant (Variation ID: 1424600). Advanced modeling of protein sequence and biophysical properties (such as structural, functional, and spatial information, amino acid conservation, physicochemical variation, residue mobility, and thermodynamic stability) has been performed at Invitae for this missense variant, however the output from this modeling did not meet the statistical confidence thresholds required to predict the impact of this variant on AGL protein function. In summary, the available evidence is currently insufficient to determine the role of this variant in disease. Therefore, it has been classified as a Variant of Uncertain Significance.